The following is an entry in ClinVar:

ClinVar aggregate classification (germline): Uncertain significance. Review status: criteria provided, multiple submitters, no conflicts (2 of 4 stars). 4 submissions from 4 submitters: Uncertain significance (4). Last evaluated 2023-10-05.

Conditions:
Microcephaly 5, primary, autosomal recessive (MCPH5). Also called: ASPM Primary Microcephaly. Identifiers: Orphanet 2512, MedGen C1837501, MONDO:0012106, OMIM 608716.
Inborn genetic diseases. Identifiers: MedGen C0950123, MeSH D030342.

Allele frequency attached by ClinVar (database versions not stated): gnomAD exomes 0.00002 and 0.00012; TOPMed 0.00004; gnomAD 0.00005 and 0.00006; ExAC 0.00012.
gnomAD v4.1: 53 of 1,612,346 alleles (0.0033%); highest among the groups gnomAD compares: East Asian, 0.069%; no homozygotes.

Submissions (4):

Ambry Genetics
Classification: Uncertain significance for Inborn genetic diseases. Last evaluated: 2023-10-05. Review status: criteria provided, single submitter. Criteria: Ambry Variant Classification Scheme 2023. Collection method: clinical testing. Allele origin: germline.

Genome-Nilou Lab
Classification: Uncertain significance for Microcephaly 5, primary, autosomal recessive. Last evaluated: 2023-04-11. Review status: criteria provided, single submitter. Criteria: ACMG Guidelines, 2015. Collection method: clinical testing. Allele origin: germline. Affected: no.

Labcorp Genetics (formerly Invitae), Labcorp
Classification: Uncertain significance. Last evaluated: 2021-10-29. Review status: criteria provided, single submitter. Criteria: Invitae Variant Classification Sherloc (09022015). Collection method: clinical testing. Allele origin: germline.
Comment: This sequence change replaces lysine, which is basic and polar, with glutamine, which is neutral and polar, at codon 3075 of the ASPM protein (p.Lys3075Gln). This variant is present in population databases (rs747515767, gnomAD 0.2%). This variant has not been reported in the literature in individuals affected with ASPM-related conditions. ClinVar contains an entry for this variant (Variation ID: 876700). Algorithms developed to predict the effect of missense changes on protein structure and function are either unavailable or do not agree on the potential impact of this missense change (SIFT: "Tolerated"; PolyPhen-2: "Possibly Damaging"; Align-GVGD: "Class C0"). In summary, the available evidence is currently insufficient to determine the role of this variant in disease. Therefore, it has been classified as a Variant of Uncertain Significance.

Illumina Laboratory Services, Illumina
Classification: Uncertain significance for Microcephaly 5, primary, autosomal recessive. Last evaluated: 2018-01-13. Review status: criteria provided, single submitter. Criteria: ICSL Variant Classification Criteria 13 December 2019. Collection method: clinical testing. Allele origin: germline.

NM_018136.5(ASPM):c.9223A>C (p.Lys3075Gln)

Gene: ASPM (assembly factor for spindle microtubules; minus strand). Cytogenetic location: 1q31.3.
Variant type: single nucleotide variant.
Coding change: c.9223A>C on transcript NM_018136.5 (MANE Select); coding-DNA position 9223, A replaced by C.
Protein change: p.Lys3075Gln; replaces lysine 3075 with glutamine.
Molecular consequence: missense variant.
Genome position (GRCh38, 1-based): chr1:197,093,123, T>G on the plus strand (A>C on the coding strand, the complement: ASPM is on the minus strand). VCF-style: chr1-197093123-T-G. GRCh37 (hg19) VCF-style: chr1-197062253-T-G.
Other names: c.4468A>C, p.Lys1490Gln (NM_001206846.2); short protein forms K1490Q, K3075Q.
Identifiers: ClinVar variation 876700 (VCV000876700.8), dbSNP rs747515767, ClinGen allele CA1309010.